The following is an entry in ClinVar:

ClinVar aggregate classification (germline): Pathogenic (1 of 4 stars; one submission).

Conditions:
Long QT syndrome (LQTS). Identifiers: MedGen C0023976, MeSH D008133, MONDO:0002442. Disease mechanism: loss of function. Inheritance: Various modes of inheritance.

Submission:

Labcorp Genetics (formerly Invitae), Labcorp
Classification: Pathogenic for Long QT syndrome. Last evaluated: 2025-12-16. Review status: criteria provided, single submitter. Criteria: Invitae Variant Classification Sherloc (09022015). Collection method: clinical testing. Allele origin: germline.
Comment: This variant, c.1077_1088dup, results in the insertion of 4 amino acid(s) of the KCNQ1 protein (p.Gln359_Lys362dup), but otherwise preserves the integrity of the reading frame. This variant is not present in population databases (gnomAD no frequency). This variant has been observed in individual(s) with autosomal dominant long QT syndrome (PMID: 31293497). It has also been observed to segregate with disease in related individuals. This variant is also known as c.1068_1079delGCAGAAGCAGAGins(GCAGAAGCAGAG)2, p.R360_Q361insQKQR. Algorithms developed to predict the effect of variants on gene product structure and function are not available or were not evaluated for this variant. Experimental studies have shown that this variant affects KCNQ1 function (PMID: 31293497). For these reasons, this variant has been classified as Pathogenic.

Literature cited by the submitters: PubMed 31293497.

NM_000218.3(KCNQ1):c.1077_1088dup (p.Lys362_His363insGlnArgGlnLys)

Gene: KCNQ1 (potassium voltage-gated channel subfamily Q member 1; plus strand). Cytogenetic location: 11p15.5.
Variant type: Duplication.
Coding change: c.1077_1088dup on transcript NM_000218.3 (MANE Select); coding-DNA positions 1077 to 1088, 12 bases duplicated (GAGGCAGAAGCA).
Protein change: p.Lys362_His363insGlnArgGlnLys.
Molecular consequence: inframe insertion. On other transcripts: intron variant (2).
Genome position (GRCh38, 1-based): chr11:2,585,256-2,585,267, GAGGCAGAAGCA duplicated; duplicating any 12 consecutive bases within chr11:2,585,247-2,585,267 gives the same sequence; the c. name uses the placement nearest the transcript's 3' end. VCF-style (leftmost placement, unchanged base first): chr11-2585246-A-AGCAGAAGCAGAG. GRCh37 (hg19) VCF-style: chr11-2606476-A-AGCAGAAGCAGAG.
Other names: c.807_818dup, p.Lys272_His273insGlnArgGlnLys (NM_001406837.1); c.696_707dup, p.Lys235_His236insGlnArgGlnLys (NM_181798.2); c.1032+1711_1032+1722dup (NM_001406836.1); c.588+1711_588+1722dup (NM_001406838.1).
Identifiers: ClinVar variation 4750132 (VCV004750132.1).
Genomic context (GRCh38, chr11:2,585,246, plus strand): 5'-GGAGCCTCCTGTCCATTCCTTCCCAGGGGATTCTTGGCTCGGGGTTTGCCCTGAAGGTGC[A>AGCAGAAGCAGAG]GCAGAAGCAGAGGCAGAAGCACTTCAACCGGCAGATCCCGGCGGCAGCCTCACTCATTCA-3'